The following is an entry in ClinVar:

NM_001142864.4(PIEZO1):c.835G>A (p.Gly279Ser)

Genes: HSALR1 (HSP90AB1 associated lncRNA 1; plus strand), PIEZO1 (piezo type mechanosensitive ion channel component 1 (Er blood group); minus strand). Cytogenetic location: 16q24.3.
Variant type: single nucleotide variant.
Coding change: c.835G>A on transcript NM_001142864.4 (MANE Select); coding-DNA position 835, G replaced by A.
Protein change: p.Gly279Ser; replaces glycine 279 with serine.
Molecular consequence: missense variant. On other transcripts: non-coding transcript variant (1).
Genome position (GRCh38, 1-based): chr16:88,738,240, C>T on the plus strand (G>A on the coding strand, the complement: PIEZO1 is on the minus strand). VCF-style: chr16-88738240-C-T. GRCh37 (hg19) VCF-style: chr16-88804648-C-T.
Other names: p.Gly279Ser; short protein forms G279S.
Identifiers: ClinVar variation 716460 (VCV000716460.37), dbSNP rs188815734, ClinGen allele CA8233188.

ClinVar aggregate classification (germline): Benign/Likely benign. Review status: criteria provided, multiple submitters, no conflicts (2 of 4 stars). 5 submissions from 5 submitters: Benign (3); Likely benign (2). Last evaluated 2025-11-25.

Allele frequency attached by ClinVar (database versions not stated): gnomAD exomes 0.00147; gnomAD 0.00277; TOPMed 0.00320; ExAC 0.00334; 1000 Genomes Project 0.00359; 1000 Genomes Project 30x 0.00422.
gnomAD v4.1: 1,335 of 1,535,792 alleles (0.087%); highest among the groups gnomAD compares: African/African-American, 0.97%; 7 homozygotes.

Submissions (5):

Labcorp Genetics (formerly Invitae), Labcorp
Classification: Benign. Last evaluated: 2025-11-25. Review status: criteria provided, single submitter. Criteria: Invitae Variant Classification Sherloc (09022015). Collection method: clinical testing. Allele origin: germline.

ARUP Laboratories, Molecular Genetics and Genomics, ARUP Laboratories
Classification: Benign. Last evaluated: 2025-07-25. Review status: criteria provided, single submitter. Criteria: ARUP Molecular Germline Variant Investigation Process 2024. Collection method: clinical testing. Allele origin: germline.

CeGaT Center for Human Genetics Tuebingen
Classification: Likely benign. Last evaluated: 2025-02-01. Review status: criteria provided, single submitter. Criteria: CeGaT Center For Human Genetics Tuebingen Variant Classification Criteria Version 2. Collection method: clinical testing. Allele origin: germline. Affected: yes. Observed: 2 variant alleles.
Comment: PIEZO1: BP4, BS2

Blueprint Genetics
Classification: Likely benign. Last evaluated: 2024-11-26. Review status: criteria provided, single submitter. Criteria: ACMG Guidelines, 2015. Collection method: clinical testing. Allele origin: germline.

Mayo Clinic Laboratories, Mayo Clinic
Classification: Benign. Last evaluated: 2024-06-20. Review status: criteria provided, single submitter. Criteria: ACMG Guidelines, 2015. Collection method: clinical testing. Allele origin: germline. Observed: 10 variant alleles.
Comment: BS1, BS2, BP4